The following is an entry in ClinVar:

ClinVar aggregate classification (germline): Uncertain significance (1 of 4 stars; one submission).

Conditions:
Glycogen storage disease IXa1. Also called: LIVER GLYCOGENOSIS, X-LINKED, TYPE I; GLYCOGEN STORAGE DISEASE VIII; GSD VIII; Glycogen storage disease 8. Identifiers: Orphanet 264580, MedGen C3694531, MONDO:0010598, OMIM 306000.

Allele frequency attached by ClinVar (database versions not stated): gnomAD exomes below 0.00001 and 0.00001; ExAC 0.00001.
gnomAD v4.1: 2 of 1,209,206 alleles (0.00017%); highest among the groups gnomAD compares: Non-Finnish European, 0.00022%; no homozygotes.

Submission:

Labcorp Genetics (formerly Invitae), Labcorp
Classification: Uncertain significance for Glycogen storage disease IXa1. Last evaluated: 2024-01-06. Review status: criteria provided, single submitter. Criteria: Invitae Variant Classification Sherloc (09022015). Collection method: clinical testing. Allele origin: germline.
Comment: This sequence change replaces serine, which is neutral and polar, with proline, which is neutral and non-polar, at codon 1043 of the PHKA2 protein (p.Ser1043Pro). This variant is present in population databases (rs757379156, gnomAD 0.001%). This variant has not been reported in the literature in individuals affected with PHKA2-related conditions. ClinVar contains an entry for this variant (Variation ID: 1393861). Advanced modeling of protein sequence and biophysical properties (such as structural, functional, and spatial information, amino acid conservation, physicochemical variation, residue mobility, and thermodynamic stability) performed at Invitae indicates that this missense variant is not expected to disrupt PHKA2 protein function with a negative predictive value of 95%. In summary, the available evidence is currently insufficient to determine the role of this variant in disease. Therefore, it has been classified as a Variant of Uncertain Significance.

NM_000292.3(PHKA2):c.3127T>C (p.Ser1043Pro)

Gene: PHKA2 (phosphorylase kinase regulatory subunit alpha 2; minus strand). Cytogenetic location: Xp22.13.
Variant type: single nucleotide variant.
Coding change: c.3127T>C on transcript NM_000292.3 (MANE Select); coding-DNA position 3127, T replaced by C.
Protein change: p.Ser1043Pro; replaces serine 1043 with proline.
Molecular consequence: missense variant.
Genome position (GRCh38, 1-based): chrX:18,897,318, A>G on the plus strand (T>C on the coding strand, the complement: PHKA2 is on the minus strand). VCF-style: chrX-18897318-A-G. GRCh37 (hg19) VCF-style: chrX-18915436-A-G.
Other names: short protein forms S1043P.
Identifiers: ClinVar variation 1393861 (VCV001393861.6), dbSNP rs757379156, ClinGen allele CA10361409.